The following is an entry in ClinVar:

NM_004727.3(SLC24A1):c.1226C>T (p.Pro409Leu)

Gene: SLC24A1 (solute carrier family 24 member 1; plus strand). Cytogenetic location: 15q22.31.
Variant type: single nucleotide variant.
Coding change: c.1226C>T on transcript NM_004727.3 (MANE Select); coding-DNA position 1226, C replaced by T.
Protein change: p.Pro409Leu; replaces proline 409 with leucine.
Molecular consequence: missense variant.
Genome position (GRCh38, 1-based): chr15:65,625,306, C>T. VCF-style: chr15-65625306-C-T. GRCh37 (hg19) VCF-style: chr15-65917644-C-T.
Other names: c.1226C>T, p.Pro409Leu (NM_001301031.1, NM_001301032.1, NM_001301033.2); c.1226C>T (NM_004727.2); short protein forms P409L.
Identifiers: ClinVar variation 1090077 (VCV001090077.12), dbSNP rs202035723, ClinGen allele CA7619866.

ClinVar aggregate classification (germline): Conflicting classifications of pathogenicity. Review status: criteria provided, conflicting classifications (1 of 4 stars). 4 submissions from 4 submitters: Uncertain significance (1); Benign (1); Likely benign (2). Last evaluated 2025-12-17.

Conditions:
Inborn genetic diseases. Identifiers: MedGen C0950123, MeSH D030342.
SLC24A1-related disorder. Also called: SLC24A1-related condition.

Allele frequency attached by ClinVar (database versions not stated): gnomAD exomes 0.00007 and 0.00018; 1000 Genomes Project 0.00020; ExAC 0.00020; 1000 Genomes Project 30x 0.00031; gnomAD 0.00064 and 0.00069; ESP Exome Variant Server 0.00071; TOPMed 0.00080.
gnomAD v4.1: 203 of 1,614,024 alleles (0.013%); highest among the groups gnomAD compares: African/African-American, 0.22%; no homozygotes.

Submissions (4):

Labcorp Genetics (formerly Invitae), Labcorp
Classification: Likely benign. Last evaluated: 2025-12-17. Review status: criteria provided, single submitter. Criteria: Invitae Variant Classification Sherloc (09022015). Collection method: clinical testing. Allele origin: germline.

Blueprint Genetics
Classification: Benign. Last evaluated: 2024-11-26. Review status: criteria provided, single submitter. Criteria: ACMG Guidelines, 2015. Collection method: clinical testing. Allele origin: germline.

PreventionGenetics, part of Exact Sciences
Classification: Likely benign for SLC24A1-related condition. Last evaluated: 2024-10-22. Review status: criteria provided, single submitter. Criteria: ACMG Guidelines, 2015. Collection method: clinical testing. Allele origin: germline.
Comment: This variant is classified as likely benign based on ACMG/AMP sequence variant interpretation guidelines (Richards et al. 2015 PMID: 25741868, with internal and published modifications).

Ambry Genetics
Classification: Uncertain significance for Inborn genetic diseases. Last evaluated: 2024-05-10. Review status: criteria provided, single submitter. Criteria: Ambry Variant Classification Scheme 2023. Collection method: clinical testing. Allele origin: germline.